The following is an entry in ClinVar:

ClinVar aggregate classification (germline): Uncertain significance (1 of 4 stars; one submission).

Submission:

Labcorp Genetics (formerly Invitae), Labcorp
Classification: Uncertain significance. Last evaluated: 2024-01-02. Review status: criteria provided, single submitter. Criteria: Invitae Variant Classification Sherloc (09022015). Collection method: clinical testing. Allele origin: germline.
Comment: This sequence change replaces leucine, which is neutral and non-polar, with phenylalanine, which is neutral and non-polar, at codon 115 of the NEDD4L protein (p.Leu115Phe). This variant is not present in population databases (gnomAD no frequency). This variant has not been reported in the literature in individuals affected with NEDD4L-related conditions. Advanced modeling of protein sequence and biophysical properties (such as structural, functional, and spatial information, amino acid conservation, physicochemical variation, residue mobility, and thermodynamic stability) performed at Invitae indicates that this missense variant is not expected to disrupt NEDD4L protein function with a negative predictive value of 80%. In summary, the available evidence is currently insufficient to determine the role of this variant in disease. Therefore, it has been classified as a Variant of Uncertain Significance.

NM_001144967.3(NEDD4L):c.343C>T (p.Leu115Phe)

Genes: NEDD4L (NEDD4 like E3 ubiquitin protein ligase; plus strand), LOC126862763 (CDK7 strongly-dependent group 2 enhancer GRCh37_chr18:55982687-55983886; plus strand). Cytogenetic location: 18q21.31.
Variant type: single nucleotide variant.
Coding change: c.343C>T on transcript NM_001144967.3 (MANE Select); coding-DNA position 343, C replaced by T.
Protein change: p.Leu115Phe; replaces leucine 115 with phenylalanine.
Molecular consequence: missense variant. On other transcripts: 5 prime UTR variant (5).
Genome position (GRCh38, 1-based): chr18:58,316,027, C>T. VCF-style: chr18-58316027-C-T. GRCh37 (hg19) VCF-style: chr18-55983259-C-T.
Other names: c.-21C>T (NM_001144964.1, NM_001144965.2, NM_001144966.3 and 2 more transcripts); c.319C>T, p.Leu107Phe (NM_001144968.2, NM_001144969.2); c.343C>T, p.Leu115Phe (NM_001243960.2, NM_015277.6); short protein forms L107F, L115F.
Identifiers: ClinVar variation 2992525 (VCV002992525.3), dbSNP rs2515777032, ClinGen allele CA402548338.